The following is an entry in ClinVar:

NM_000540.3(RYR1):c.12094+4A>G

Gene: RYR1 (ryanodine receptor 1; plus strand). Cytogenetic location: 19q13.2.
Variant type: single nucleotide variant.
Coding change: c.12094+4A>G on transcript NM_000540.3 (MANE Select); 4 bases into the intron after coding-DNA position 12094, A replaced by G.
Molecular consequence: intron variant.
Genome position (GRCh38, 1-based): chr19:38,546,530, A>G. VCF-style: chr19-38546530-A-G. GRCh37 (hg19) VCF-style: chr19-39037170-A-G.
Other names: c.12079+4A>G (NM_001042723.2).
Identifiers: ClinVar variation 1029907 (VCV001029907.1), dbSNP rs1972431144, ClinGen allele CA2335075743.

ClinVar aggregate classification (germline): Uncertain significance (1 of 4 stars; one submission).

Conditions:
Central core myopathy (CMYO1A). Also called: Central core disease; Myopathy, central fibrillar; CONGENITAL MYOPATHY 1A, AUTOSOMAL DOMINANT, WITH SUSCEPTIBILITY TO MALIGNANT HYPERTHERMIA. Identifiers: Orphanet 597, MedGen C5830701, MONDO:0007294, OMIM 117000.

Submission:

Baylor Genetics
Classification: Uncertain significance for Central core myopathy. Last evaluated: 2019-03-11. Review status: criteria provided, single submitter. Criteria: ACMG Guidelines, 2015. Collection method: clinical testing. Allele origin: paternal. Affected: yes.
Comment: This variant was determined to be of uncertain significance according to ACMG Guidelines, 2015 [PMID:25741868].